The following is an entry in ClinVar:

NM_004960.4(FUS):c.743G>A (p.Arg248His)

Gene: FUS (FUS RNA binding protein; plus strand). Cytogenetic location: 16p11.2.
Variant type: single nucleotide variant.
Coding change: c.743G>A on transcript NM_004960.4 (MANE Select); coding-DNA position 743, G replaced by A.
Protein change: p.Arg248His; replaces arginine 248 with histidine.
Molecular consequence: missense variant. On other transcripts: non-coding transcript variant (1).
Genome position (GRCh38, 1-based): chr16:31,185,158, G>A. VCF-style: chr16-31185158-G-A. GRCh37 (hg19) VCF-style: chr16-31196479-G-A.
Other names: c.740G>A, p.Arg247His (NM_001170634.1); c.731G>A, p.Arg244His (NM_001170937.1); short protein forms R248H, R247H, R244H.
Identifiers: ClinVar variation 581527 (VCV000581527.9), dbSNP rs760351730, ClinGen allele CA8023777.

ClinVar aggregate classification (germline): Uncertain significance (1 of 4 stars; one submission).

Conditions:
Amyotrophic lateral sclerosis type 6. Also called: Amyotrophic lateral sclerosis 6, with or without frontotemporal dementia; FUS-Related Amyotrophic Laterial Sclerosis; AMYOTROPHIC LATERAL SCLEROSIS 6 WITHOUT FRONTOTEMPORAL DEMENTIA. Identifiers: Orphanet 275872, Orphanet 803, MedGen C2931786, MONDO:0011951, OMIM 608030.
Tremor, hereditary essential, 4 (ETM4). Identifiers: MedGen C3539195, MONDO:0013888, OMIM 614782.

Allele frequency attached by ClinVar (database versions not stated): gnomAD exomes below 0.00001; ExAC 0.00001; TOPMed 0.00002.
gnomAD v4.1: 4 of 1,610,376 alleles (0.00025%); highest among the groups gnomAD compares: Non-Finnish European, 0.00034%; no homozygotes.

Submission:

Labcorp Genetics (formerly Invitae), Labcorp
Classification: Uncertain significance for Tremor, hereditary essential, 4; Amyotrophic lateral sclerosis type 6. Last evaluated: 2023-08-24. Review status: criteria provided, single submitter. Criteria: Invitae Variant Classification Sherloc (09022015). Collection method: clinical testing. Allele origin: germline.
Comment: This sequence change replaces arginine, which is basic and polar, with histidine, which is basic and polar, at codon 248 of the FUS protein (p.Arg248His). The frequency data for this variant in the population databases is considered unreliable, as metrics indicate poor data quality at this position in the gnomAD database. In summary, the available evidence is currently insufficient to determine the role of this variant in disease. Therefore, it has been classified as a Variant of Uncertain Significance. Experimental studies and prediction algorithms are not available or were not evaluated, and the functional significance of this variant is currently unknown. This variant has not been reported in the literature in individuals affected with FUS-related conditions. ClinVar contains an entry for this variant (Variation ID: 581527).